The following is an entry in ClinVar:

NM_000059.4(BRCA2):c.2418T>A (p.Asp806Glu)

Gene: BRCA2 (BRCA2 DNA repair associated; plus strand). Cytogenetic location: 13q13.1.
Variant type: single nucleotide variant.
Coding change: c.2418T>A on transcript NM_000059.4 (MANE Select); coding-DNA position 2418, T replaced by A.
Protein change: p.Asp806Glu; replaces aspartic acid 806 with glutamic acid.
Molecular consequence: missense variant.
Genome position (GRCh38, 1-based): chr13:32,336,773, T>A. VCF-style: chr13-32336773-T-A. GRCh37 (hg19) VCF-style: chr13-32910910-T-A.
Other names: short protein forms D806E.
Identifiers: ClinVar variation 441335 (VCV000441335.10), dbSNP rs1131692107, ClinGen allele CA387772078.

ClinVar aggregate classification (germline): Conflicting classifications of pathogenicity. Review status: criteria provided, conflicting classifications (1 of 4 stars). 3 submissions from 3 submitters: Uncertain significance (2); Likely benign (1). Last evaluated 2023-12-13.

Conditions:
Hereditary cancer-predisposing syndrome. Also called: Hereditary Cancer Syndrome; Hereditary neoplastic syndrome; Neoplastic Syndromes, Hereditary; Tumor predisposition. Identifiers: Orphanet 140162, MedGen C0027672, MeSH D009386, MONDO:0015356.
Hereditary breast ovarian cancer syndrome. Also called: Hereditary breast and ovarian cancer; Breast and ovarian cancer; Hereditary breast and ovarian cancer syndrome; Hereditary breast and/or ovarian cancer syndrome; BRCA1- and BRCA2-Associated Hereditary Breast and Ovarian Cancer; Hereditary breast and ovarian cancer syndrome (HBOC). Identifiers: Orphanet 145, MedGen C0677776, MeSH D061325, MONDO:0003582. Disease mechanism: loss of function.

Submissions (3):

Labcorp Genetics (formerly Invitae), Labcorp
Classification: Uncertain significance for Hereditary breast ovarian cancer syndrome. Last evaluated: 2023-12-13. Review status: criteria provided, single submitter. Criteria: Invitae Variant Classification Sherloc (09022015). Collection method: clinical testing. Allele origin: germline.
Comment: This sequence change replaces aspartic acid, which is acidic and polar, with glutamic acid, which is acidic and polar, at codon 806 of the BRCA2 protein (p.Asp806Glu). This variant is not present in population databases (gnomAD no frequency). This variant has not been reported in the literature in individuals affected with BRCA2-related conditions. ClinVar contains an entry for this variant (Variation ID: 441335). Advanced modeling of protein sequence and biophysical properties (such as structural, functional, and spatial information, amino acid conservation, physicochemical variation, residue mobility, and thermodynamic stability) performed at Invitae indicates that this missense variant is not expected to disrupt BRCA2 protein function with a negative predictive value of 95%. In summary, the available evidence is currently insufficient to determine the role of this variant in disease. Therefore, it has been classified as a Variant of Uncertain Significance.

University of Washington Department of Laboratory Medicine, University of Washington
Classification: Likely benign for Hereditary cancer-predisposing syndrome. Last evaluated: 2023-03-23. Review status: criteria provided, single submitter. Criteria: Dines et al. (Genet Med. 2020). Collection method: curation. Allele origin: germline.
Comment: Missense variant in a coldspot region where missense variants are very unlikely to be pathogenic (PMID:31911673).

BRCA2 exon 11 coldspot. Reclassification based on statistical prior probability.

Ambry Genetics
Classification: Uncertain significance for Hereditary cancer-predisposing syndrome. Last evaluated: 2016-04-29. Review status: criteria provided, single submitter. Criteria: Ambry Variant Classification Scheme 2023. Collection method: clinical testing. Allele origin: germline.
Comment: The p.D806E variant (also known as c.2418T>A), located in coding exon 10 of the BRCA2 gene, results from a T to A substitution at nucleotide position 2418. The aspartic acid at codon 806 is replaced by glutamic acid, an amino acid with highly similar properties. This alteration was observed in 1/7,051 unselected female breast cancer patients and was observed in 0/11,241 female controls of Japanese ancestry (Momozawa Y et al. Nat Commun, 2018 10;9:4083). This amino acid position is poorly conserved in available vertebrate species. In addition, this alteration is predicted to be tolerated by in silico analysis. Since supporting evidence is limited at this time, the clinical significance of this alteration remains unclear.

Literature cited by the submitters: PubMed 30287823 (cited by Ambry Genetics).